The following is an entry in ClinVar:

ClinVar aggregate classification (germline): Uncertain significance. Review status: criteria provided, multiple submitters, no conflicts (2 of 4 stars). 2 submissions from 2 submitters: Uncertain significance (2). Last evaluated 2025-09-13.

Conditions:
Inborn genetic diseases. Identifiers: MedGen C0950123, MeSH D030342.

Allele frequency attached by ClinVar (database versions not stated): gnomAD 0.00001; gnomAD exomes 0.00001 and 0.00002; ExAC 0.00002; TOPMed 0.00003.
gnomAD v4.1: 14 of 1,613,832 alleles (0.00087%); highest among the groups gnomAD compares: Admixed American, 0.0033%; no homozygotes.

Submissions (2):

Labcorp Genetics (formerly Invitae), Labcorp
Classification: Uncertain significance. Last evaluated: 2025-09-13. Review status: criteria provided, single submitter. Criteria: Invitae Variant Classification Sherloc (09022015). Collection method: clinical testing. Allele origin: germline.
Comment: This sequence change replaces valine, which is neutral and non-polar, with isoleucine, which is neutral and non-polar, at codon 2713 of the HSPG2 protein (p.Val2713Ile). This variant is present in population databases (rs764582257, gnomAD 0.006%). This variant has not been reported in the literature in individuals affected with HSPG2-related conditions. ClinVar contains an entry for this variant (Variation ID: 1366501). An algorithm developed to predict the effect of missense changes on protein structure and function outputs the following: PolyPhen-2: "Benign". The isoleucine amino acid residue is found in multiple mammalian species, which suggests that this missense change does not adversely affect protein function. In summary, the available evidence is currently insufficient to determine the role of this variant in disease. Therefore, it has been classified as a Variant of Uncertain Significance.

Ambry Genetics
Classification: Uncertain significance for Inborn genetic diseases. Last evaluated: 2025-08-30. Review status: criteria provided, single submitter. Criteria: Ambry Variant Classification Scheme 2023. Collection method: clinical testing. Allele origin: germline.

NM_005529.7(HSPG2):c.8137G>A (p.Val2713Ile)

Gene: HSPG2 (heparan sulfate proteoglycan 2; minus strand). Cytogenetic location: 1p36.12.
Variant type: single nucleotide variant.
Coding change: c.8137G>A on transcript NM_005529.7 (MANE Select); coding-DNA position 8137, G replaced by A.
Protein change: p.Val2713Ile; replaces valine 2713 with isoleucine.
Molecular consequence: missense variant.
Genome position (GRCh38, 1-based): chr1:21,847,381, C>T on the plus strand (G>A on the coding strand, the complement: HSPG2 is on the minus strand). VCF-style: chr1-21847381-C-T. GRCh37 (hg19) VCF-style: chr1-22173874-C-T.
Other names: c.8137G>A (NM_005529.5); c.8140G>A, p.Val2714Ile (NM_001291860.2); short protein forms V2714I, V2713I.
Identifiers: ClinVar variation 1366501 (VCV001366501.9), dbSNP rs764582257, ClinGen allele CA670917.